The following is an entry in ClinVar:

ClinVar aggregate classification (germline): Uncertain significance (1 of 4 stars; one submission).

Conditions:
Hereditary cancer-predisposing syndrome. Also called: Neoplastic Syndromes, Hereditary; Tumor predisposition; Hereditary Cancer Syndrome; Hereditary neoplastic syndrome. Identifiers: Orphanet 140162, MedGen C0027672, MeSH D009386, MONDO:0015356.

Submission:

Ambry Genetics
Classification: Uncertain significance for Hereditary cancer-predisposing syndrome. Last evaluated: 2025-10-19. Review status: criteria provided, single submitter. Criteria: Ambry Variant Classification Scheme 2023. Collection method: clinical testing. Allele origin: germline.
Comment: The p.R1364L variant (also known as c.4091G>T), located in coding exon 32 of the POLE gene, results from a G to T substitution at nucleotide position 4091. The arginine at codon 1364 is replaced by leucine, an amino acid with dissimilar properties. This amino acid position is conserved. In addition, this alteration is predicted to be deleterious by in silico analysis. Since supporting evidence is limited at this time, the clinical significance of this alteration remains unclear.

NM_006231.4(POLE):c.4091G>T (p.Arg1364Leu)

Gene: POLE (DNA polymerase epsilon, catalytic subunit; minus strand). Cytogenetic location: 12q24.33.
Variant type: single nucleotide variant.
Coding change: c.4091G>T on transcript NM_006231.4 (MANE Select); coding-DNA position 4091, G replaced by T.
Protein change: p.Arg1364Leu; replaces arginine 1364 with leucine.
Molecular consequence: missense variant.
Genome position (GRCh38, 1-based): chr12:132,648,987, C>A on the plus strand (G>T on the coding strand, the complement: POLE is on the minus strand). VCF-style: chr12-132648987-C-A. GRCh37 (hg19) VCF-style: chr12-133225573-C-A.
Other names: short protein forms R1364L.
Identifiers: ClinVar variation 1737754 (VCV001737754.3), dbSNP rs369171111, ClinGen allele CA387383752.
Genomic context (GRCh38, chr12:132,648,987, plus strand): 5'-ACCTTGCGATACGAAGCACCCTCCTCCGCTTTAGCGACTCGCTGGTTCACGTAGAACACA[C>A]GGGGGATGCTCAGCCTGATGCAGTGCAAGTCACTGCCAACGAGCGCCCACAGCCTGAACA-3'
Protein context (NP_006222.2, residues 1354-1374): DLHCIRLSIP[Arg1364Leu]VFYVNQRVAK